The following is an entry in ClinVar:

ClinVar aggregate classification (germline): Benign. Review status: criteria provided, multiple submitters, no conflicts (2 of 4 stars). 6 submissions from 6 submitters: Benign (5). 1 of the submissions does not count toward it. Last evaluated 2026-09-01.

Conditions:
RTTN-related disorder. Also called: RTTN-related condition.

Allele frequency attached by ClinVar (database versions not stated): 1000 Genomes Project 30x 0.00422; 1000 Genomes Project 0.00439; TOPMed 0.00579; gnomAD 0.00584 and 0.00599; gnomAD exomes 0.00931 and 0.00672; ExAC 0.00687; ESP Exome Variant Server 0.00730.
gnomAD v4.1: 14,507 of 1,613,612 alleles (0.9%); highest among the groups gnomAD compares: Middle Eastern, 2.3%; 93 homozygotes.

Submissions (6):

CeGaT Center for Human Genetics Tuebingen
Classification: Benign. Last evaluated: 2026-09-01. Review status: criteria provided, single submitter. Criteria: CeGaT Center For Human Genetics Tuebingen Variant Classification Criteria Version 2. Collection method: clinical testing. Allele origin: germline. Affected: yes. Observed: 49 variant alleles.
Comment: RTTN: BP4, BS1, BS2

Labcorp Genetics (formerly Invitae), Labcorp
Classification: Benign. Last evaluated: 2026-02-01. Review status: criteria provided, single submitter. Criteria: Invitae Variant Classification Sherloc (09022015). Collection method: clinical testing. Allele origin: germline.

Genetic Services Laboratory, University of Chicago
Classification: Benign. Last evaluated: 2018-02-07. Review status: criteria provided, single submitter. Criteria: ACMG Guidelines, 2015. Collection method: clinical testing. Allele origin: germline. Affected: no.

GeneDx
Classification: Benign. Last evaluated: 2016-08-01. Review status: criteria provided, single submitter. Criteria: GeneDx Variant Classification (06012015). Collection method: clinical testing. Allele origin: germline. Affected: yes.
Comment: This variant is considered likely benign or benign based on one or more of the following criteria: it is a conservative change, it occurs at a poorly conserved position in the protein, it is predicted to be benign by multiple in silico algorithms, and/or has population frequency not consistent with disease.

Breakthrough Genomics
Classification: Benign. Review status: criteria provided, single submitter. Criteria: ACMG Guidelines, 2015. Collection method: not provided. Allele origin: germline. Inheritance: Autosomal recessive inheritance. Affected: yes.

PreventionGenetics, part of Exact Sciences
Classification: Benign for RTTN-related condition. Last evaluated: 2024-03-27. Review status: no assertion criteria provided. Collection method: clinical testing. Allele origin: germline. Not counted in ClinVar's aggregate classification.
Comment: This variant is classified as benign based on ACMG/AMP sequence variant interpretation guidelines (Richards et al. 2015 PMID: 25741868, with internal and published modifications).

NM_173630.4(RTTN):c.1921A>G (p.Ile641Val)

Gene: RTTN (rotatin; minus strand). Cytogenetic location: 18q22.2.
Variant type: single nucleotide variant.
Coding change: c.1921A>G on transcript NM_173630.4 (MANE Select); coding-DNA position 1921, A replaced by G.
Protein change: p.Ile641Val; replaces isoleucine 641 with valine.
Molecular consequence: missense variant. On other transcripts: 5 prime UTR variant (1).
Genome position (GRCh38, 1-based): chr18:70,166,070, T>C on the plus strand (A>G on the coding strand, the complement: RTTN is on the minus strand). VCF-style: chr18-70166070-T-C. GRCh37 (hg19) VCF-style: chr18-67833306-T-C.
Other names: c.-727A>G (NM_001318520.2); short protein forms I641V.
Identifiers: ClinVar variation 130168 (VCV000130168.45), dbSNP rs117502718, ClinGen allele CA154990.